The following is an entry in ClinVar:

NM_000264.5(PTCH1):c.3041C>T (p.Pro1014Leu)

Gene: PTCH1 (patched 1; minus strand). Cytogenetic location: 9q22.32.
Variant type: single nucleotide variant.
Coding change: c.3041C>T on transcript NM_000264.5 (MANE Select); coding-DNA position 3041, C replaced by T.
Protein change: p.Pro1014Leu; replaces proline 1014 with leucine.
Molecular consequence: missense variant. On other transcripts: non-coding transcript variant (1).
Genome position (GRCh38, 1-based): chr9:95,458,140, G>A on the plus strand (C>T on the coding strand, the complement: PTCH1 is on the minus strand). VCF-style: chr9-95458140-G-A. GRCh37 (hg19) VCF-style: chr9-98220422-G-A.
Other names: c.2843C>T, p.Pro948Leu (NM_001083602.3); c.3038C>T, p.Pro1013Leu (NM_001083603.3); c.2588C>T, p.Pro863Leu (NM_001083604.3, NM_001083605.3, NM_001083606.3 and 1 more transcripts); c.2885C>T, p.Pro962Leu (NM_001354918.2); short protein forms P1014L, P948L, P1013L, P863L, P962L.
Identifiers: ClinVar variation 453838 (VCV000453838.10), dbSNP rs1404012576, ClinGen allele CA374112518.
Genomic context (GRCh38, chr9:95,458,140, plus strand): 5'-ACGCTGATGAACAGCAGCAGCCAGTGGCGGAGGCCGATGTACTGCTCCCAGAAGAGGAAG[G>A]GGTAGCCGTTGGGGTAACTGGACAGCCCCAGGCTCGTATAGTTGCTGCAGATGGTCCTTA-3'
Protein context (NP_000255.2, residues 1004-1024): LGLSSYPNGY[Pro1014Leu]FLFWEQYIGL

ClinVar aggregate classification (germline): Uncertain significance. Review status: criteria provided, multiple submitters, no conflicts (2 of 4 stars). 3 submissions from 3 submitters: Uncertain significance (3). Last evaluated 2024-11-22.

Conditions:
Hereditary cancer-predisposing syndrome. Also called: Neoplastic Syndromes, Hereditary; Hereditary Cancer Syndrome; Hereditary neoplastic syndrome; Tumor predisposition. Identifiers: Orphanet 140162, MedGen C0027672, MeSH D009386, MONDO:0015356.
Gorlin syndrome. Also called: Nevoid Basal Cell Carcinoma Syndrome; Basal cell nevus syndrome. Identifiers: Orphanet 377, MedGen C0004779, MONDO:0007187.

Allele frequency attached by ClinVar (database versions not stated): gnomAD exomes below 0.00001; gnomAD 0.00001; TOPMed 0.00001.
gnomAD v4.1: 8 of 1,614,100 alleles (0.0005%); highest among the groups gnomAD compares: Non-Finnish European, 0.000085%; no homozygotes.

Submissions (3):

Ambry Genetics
Classification: Uncertain significance for Hereditary cancer-predisposing syndrome. Last evaluated: 2024-11-22. Review status: criteria provided, single submitter. Criteria: Ambry Variant Classification Scheme 2023. Collection method: clinical testing. Allele origin: germline.
Comment: The p.P1014L variant (also known as c.3041C>T), located in coding exon 18 of the PTCH1 gene, results from a C to T substitution at nucleotide position 3041. The proline at codon 1014 is replaced by leucine, an amino acid with similar properties. This amino acid position is highly conserved in available vertebrate species. In addition, this alteration is predicted to be deleterious by in silico analysis. Since supporting evidence is limited at this time, the clinical significance of this alteration remains unclear.

Labcorp Genetics (formerly Invitae), Labcorp
Classification: Uncertain significance for Gorlin syndrome. Last evaluated: 2024-03-28. Review status: criteria provided, single submitter. Criteria: Invitae Variant Classification Sherloc (09022015). Collection method: clinical testing. Allele origin: germline.
Comment: This sequence change replaces proline, which is neutral and non-polar, with leucine, which is neutral and non-polar, at codon 1014 of the PTCH1 protein (p.Pro1014Leu). This variant is not present in population databases (gnomAD no frequency). This variant has not been reported in the literature in individuals affected with PTCH1-related conditions. ClinVar contains an entry for this variant (Variation ID: 453838). Advanced modeling of protein sequence and biophysical properties (such as structural, functional, and spatial information, amino acid conservation, physicochemical variation, residue mobility, and thermodynamic stability) has been performed at Invitae for this missense variant, however the output from this modeling did not meet the statistical confidence thresholds required to predict the impact of this variant on PTCH1 protein function. In summary, the available evidence is currently insufficient to determine the role of this variant in disease. Therefore, it has been classified as a Variant of Uncertain Significance.

Blueprint Genetics
Classification: Uncertain significance. Last evaluated: 2023-03-08. Review status: criteria provided, single submitter. Criteria: ACMG Guidelines, 2015. Collection method: clinical testing. Allele origin: germline.